The following is an entry in ClinVar:

ClinVar aggregate classification (germline): Pathogenic (1 of 4 stars; one submission).

Conditions:
Familial cancer of breast. Also called: BREAST CANCER, FAMILIAL; hereditary breast carcinoma; Hereditary breast cancer. Identifiers: Orphanet 227535, MedGen C0346153, MONDO:0016419, OMIM 114480. Disease mechanism: loss of function.

Submission:

Myriad Genetics, Inc.
Classification: Pathogenic for Familial cancer of breast. Last evaluated: 2023-05-19. Review status: criteria provided, single submitter. Criteria: Myriad Autosomal Dominant, Autosomal Recessive and X-Linked Classification Criteria (2023). Collection method: clinical testing. Allele origin: unknown.
Comment: This variant is considered pathogenic. This variant creates a frameshift predicted to result in premature protein truncation.

NM_000465.4(BARD1):c.628del (p.Thr210fs)

Gene: BARD1 (BRCA1 associated RING domain 1; minus strand). Cytogenetic location: 2q35.
Variant type: Deletion.
Coding change: c.628del on transcript NM_000465.4 (MANE Select); coding-DNA position 628, one base deleted (A; older notation c.628delA).
Protein change: p.Thr210fs; shifts the reading frame from threonine 210.
Molecular consequence: frameshift variant. On other transcripts: non-coding transcript variant (2), intron variant (3).
Genome position (GRCh38, 1-based): chr2:214,781,246, T deleted on the plus strand (A on the coding strand, the reverse complement: BARD1 is on the minus strand); the first of 4 consecutive T bases (chr2:214,781,246-214,781,249); deleting any one gives the same sequence. VCF-style (leftmost placement, unchanged base first): chr2-214781245-GT-G. GRCh37 (hg19) VCF-style: chr2-215645969-GT-G.
Other names: c.571del, p.Thr191fs (NM_001282543.2); c.158+28166del (NM_001282548.2); c.215+15815del (NM_001282545.2); c.364+11051del (NM_001282549.2); short protein forms T191fs, T210fs.
Identifiers: ClinVar variation 2584203 (VCV002584203.2), dbSNP rs864622223, ClinGen allele CA2582342103.
Genomic context (GRCh38, chr2:214,781,245, plus strand): 5'-TCAAATTCACCATCTTCTTTTTCTGCCTCTAAATTCCATTTTTGGTTGATTTCAGCTAAA[GT>G]TTTCTTTTTTTGCTTTTTTCCAGATCTTGCAGAAGCCTTTTTAGCCCTCTCAGAAACATC-3'